The following is an entry in ClinVar:

NM_000059.4(BRCA2):c.2573G>T (p.Arg858Ile)

Gene: BRCA2 (BRCA2 DNA repair associated; plus strand). Cytogenetic location: 13q13.1.
Variant type: single nucleotide variant.
Coding change: c.2573G>T on transcript NM_000059.4 (MANE Select); coding-DNA position 2573, G replaced by T.
Protein change: p.Arg858Ile; replaces arginine 858 with isoleucine.
Molecular consequence: missense variant. On other transcripts: non-coding transcript variant (1), intron variant (2).
Genome position (GRCh38, 1-based): chr13:32,336,928, G>T. VCF-style: chr13-32336928-G-T. GRCh37 (hg19) VCF-style: chr13-32911065-G-T.
Other names: c.2573G>T, p.Arg858Ile (NM_001406719.1, NM_001406720.1); c.1909+3541G>T (NM_001406721.1); c.424+5898G>T (NM_001406722.1); short protein forms R858I.
Identifiers: ClinVar variation 2765405 (VCV002765405.3), dbSNP rs2137487821, ClinGen allele CA387772573.

ClinVar aggregate classification (germline): Uncertain significance (1 of 4 stars; one submission).

Conditions:
Hereditary breast ovarian cancer syndrome. Also called: Hereditary breast and ovarian cancer syndrome; Hereditary breast and/or ovarian cancer syndrome; BRCA1- and BRCA2-Associated Hereditary Breast and Ovarian Cancer; Hereditary breast and ovarian cancer; Breast and ovarian cancer; Hereditary breast and ovarian cancer syndrome (HBOC). Identifiers: Orphanet 145, MedGen C0677776, MeSH D061325, MONDO:0003582. Disease mechanism: loss of function.

Submission:

Labcorp Genetics (formerly Invitae), Labcorp
Classification: Uncertain significance for Hereditary breast ovarian cancer syndrome. Last evaluated: 2023-06-29. Review status: criteria provided, single submitter. Criteria: Invitae Variant Classification Sherloc (09022015). Collection method: clinical testing. Allele origin: germline.
Comment: This sequence change replaces arginine, which is basic and polar, with isoleucine, which is neutral and non-polar, at codon 858 of the BRCA2 protein (p.Arg858Ile). This variant is not present in population databases (gnomAD no frequency). This missense change has been observed in individual(s) with breast and/or ovarian cancer (PMID: 23961350). Advanced modeling of protein sequence and biophysical properties (such as structural, functional, and spatial information, amino acid conservation, physicochemical variation, residue mobility, and thermodynamic stability) performed at Invitae indicates that this missense variant is not expected to disrupt BRCA2 protein function. In summary, the available evidence is currently insufficient to determine the role of this variant in disease. Therefore, it has been classified as a Variant of Uncertain Significance.

Literature cited by the submitters: PubMed 23961350.